The following is an entry in ClinVar:

NM_001372.4(DNAH9):c.9663C>A (p.Phe3221Leu)

Gene: DNAH9 (dynein axonemal heavy chain 9; plus strand). Cytogenetic location: 17p12.
Variant type: single nucleotide variant.
Coding change: c.9663C>A on transcript NM_001372.4 (MANE Select); coding-DNA position 9663, C replaced by A.
Protein change: p.Phe3221Leu; replaces phenylalanine 3221 with leucine.
Molecular consequence: missense variant.
Genome position (GRCh38, 1-based): chr17:11,854,158, C>A. VCF-style: chr17-11854158-C-A. GRCh37 (hg19) VCF-style: chr17-11757475-C-A.
Other names: short protein forms F3221L.
Identifiers: ClinVar variation 2113399 (VCV002113399.2), dbSNP rs2544772127, ClinGen allele CA398191904.

ClinVar aggregate classification (germline): Uncertain significance (1 of 4 stars; one submission).

Submission:

Labcorp Genetics (formerly Invitae), Labcorp
Classification: Uncertain significance. Last evaluated: 2022-03-18. Review status: criteria provided, single submitter. Criteria: Invitae Variant Classification Sherloc (09022015). Collection method: clinical testing. Allele origin: germline.
Comment: In summary, the available evidence is currently insufficient to determine the role of this variant in disease. Therefore, it has been classified as a Variant of Uncertain Significance. Algorithms developed to predict the effect of missense changes on protein structure and function are either unavailable or do not agree on the potential impact of this missense change (SIFT: "Deleterious"; PolyPhen-2: "Possibly Damaging"; Align-GVGD: "Class C0"). This variant has not been reported in the literature in individuals affected with DNAH9-related conditions. This variant is not present in population databases (gnomAD no frequency). This sequence change replaces phenylalanine, which is neutral and non-polar, with leucine, which is neutral and non-polar, at codon 3221 of the DNAH9 protein (p.Phe3221Leu).